The following is an entry in ClinVar:

NM_007373.4(SHOC2):c.1055C>T (p.Ser352Phe)

Gene: SHOC2 (SHOC2 leucine rich repeat scaffold protein; plus strand). Cytogenetic location: 10q25.2.
Variant type: single nucleotide variant.
Coding change: c.1055C>T on transcript NM_007373.4 (MANE Select); coding-DNA position 1055, C replaced by T.
Protein change: p.Ser352Phe; replaces serine 352 with phenylalanine.
Molecular consequence: missense variant. On other transcripts: non-coding transcript variant (1).
Genome position (GRCh38, 1-based): chr10:111,004,688, C>T. VCF-style: chr10-111004688-C-T. GRCh37 (hg19) VCF-style: chr10-112764446-C-T.
Other names: c.917C>T, p.Ser306Phe (NM_001269039.3); c.1055C>T, p.Ser352Phe (NM_001324336.2, NM_001324337.2); short protein forms S306F, S352F.
Identifiers: ClinVar variation 1309428 (VCV001309428.5), dbSNP rs1848437546, ClinGen allele CA378523034.

ClinVar aggregate classification (germline): Uncertain significance. Review status: criteria provided, multiple submitters, no conflicts (2 of 4 stars). 2 submissions from 2 submitters: Uncertain significance (2). Last evaluated 2025-04-30.

Conditions:
RASopathy. Also called: Noonan spectrum disorder; rasopathies. Identifiers: Orphanet 536391, MedGen C5555857, MONDO:0021060.

gnomAD v4.1: 1 of 1,612,972 alleles (0.000062%); no homozygotes.

Submissions (2):

Labcorp Genetics (formerly Invitae), Labcorp
Classification: Uncertain significance for RASopathy. Last evaluated: 2025-04-30. Review status: criteria provided, single submitter. Criteria: Invitae Variant Classification Sherloc (09022015). Collection method: clinical testing. Allele origin: germline.
Comment: This sequence change replaces serine, which is neutral and polar, with phenylalanine, which is neutral and non-polar, at codon 352 of the SHOC2 protein (p.Ser352Phe). This variant is not present in population databases (gnomAD no frequency). This variant has not been reported in the literature in individuals affected with SHOC2-related conditions. ClinVar contains an entry for this variant (Variation ID: 1309428). Invitae Evidence Modeling of protein sequence and biophysical properties (such as structural, functional, and spatial information, amino acid conservation, physicochemical variation, residue mobility, and thermodynamic stability) indicates that this missense variant is not expected to disrupt SHOC2 protein function with a negative predictive value of 80%. In summary, the available evidence is currently insufficient to determine the role of this variant in disease. Therefore, it has been classified as a Variant of Uncertain Significance.

GeneDx
Classification: Uncertain significance. Last evaluated: 2019-10-14. Review status: criteria provided, single submitter. Criteria: GeneDx Variant Classification Process June 2021. Collection method: clinical testing. Allele origin: germline. Affected: yes.
Comment: Not observed in large population cohorts (Lek et al., 2016); In silico analysis, which includes protein predictors and evolutionary conservation, supports a deleterious effect; Has not been previously published as pathogenic or benign to our knowledge